The following is an entry in ClinVar:

NM_007294.4(BRCA1):c.5277+861G>A

Gene: BRCA1 (BRCA1 DNA repair associated; minus strand). Cytogenetic location: 17q21.31.
Variant type: single nucleotide variant.
Coding change: c.5277+861G>A on transcript NM_007294.4 (MANE Select); 861 bases into the intron after coding-DNA position 5277, G replaced by A.
Molecular consequence: intron variant.
Genome position (GRCh38, 1-based): chr17:43,056,191, C>T on the plus strand (G>A on the coding strand, the complement: BRCA1 is on the minus strand). VCF-style: chr17-43056191-C-T. GRCh37 (hg19) VCF-style: chr17-41208208-C-T.
Other names: c.5217+861G>A (NM_001407649.1); c.1962+861G>A (NM_001408401.1, NM_001408396.1, NM_001408404.1 and 8 more transcripts); c.1965+861G>A (NM_001407985.1, NM_001408472.1, NM_001407990.1 and 12 more transcripts); c.5268+861G>A (NM_001407644.1, NM_001407645.1); c.5271+861G>A (NM_001407627.1, NM_001407861.1, NM_001407635.1 and 14 more transcripts); c.5274+861G>A (NM_001407614.1, NM_001407626.1, NM_001407617.1 and 17 more transcripts); c.5340+861G>A (NM_001407587.1, NM_001407585.1, NM_007300.4 and 1 more transcripts); c.1728+861G>A (NM_001408494.1); and 72 more.
Identifiers: ClinVar variation 264840 (VCV000264840.2), dbSNP rs372544924, ClinGen allele CA10588191.

ClinVar aggregate classification (germline): Benign (3 of 4 stars; one submission).

Conditions:
Breast-ovarian cancer, familial, susceptibility to, 1 (BROVCA1). Also called: BRCA1 Hereditary Breast and Ovarian Cancer; OVARIAN CANCER, SUSCEPTIBILITY TO. Identifiers: Orphanet 145, MedGen C2676676, MONDO:0011450, OMIM 604370. Disease mechanism: loss of function.

Allele frequency attached by ClinVar (database versions not stated): 1000 Genomes Project 0.28474.

Submission:

Evidence-based Network for the Interpretation of Germline Mutant Alleles (ENIGMA)
Classification: Benign for Breast-ovarian cancer, familial, susceptibility to, 1. Last evaluated: 2016-09-28. Review status: reviewed by expert panel. Criteria: ENIGMA BRCA1/2 Classification Criteria (2015). Collection method: curation. Allele origin: germline.
Comment: Class 1 not pathogenic based on frequency >1% in an outbred sampleset. Frequency 0.2843 (European), 0.3139 (African), 0.2882 (Admixed American/Latino), 0.246 (East Asian), 0.2832 (South Asian), derived from 1000 genomes (2013-05-02).